The following is an entry in ClinVar:

NM_013382.7(POMT2):c.874G>C (p.Ala292Pro)

Gene: POMT2 (protein O-mannosyltransferase 2; minus strand). Cytogenetic location: 14q24.3.
Variant type: single nucleotide variant.
Coding change: c.874G>C on transcript NM_013382.7 (MANE Select); coding-DNA position 874, G replaced by C.
Protein change: p.Ala292Pro; replaces alanine 292 with proline.
Molecular consequence: missense variant.
Genome position (GRCh38, 1-based): chr14:77,299,504, C>G on the plus strand (G>C on the coding strand, the complement: POMT2 is on the minus strand). VCF-style: chr14-77299504-C-G. GRCh37 (hg19) VCF-style: chr14-77765847-C-G.
Other names: short protein forms A292P.
Identifiers: ClinVar variation 1506501 (VCV001506501.6), dbSNP rs1312138776, ClinGen allele CA390519951.

ClinVar aggregate classification (germline): Uncertain significance (1 of 4 stars; one submission).

Conditions:
Muscular dystrophy-dystroglycanopathy (congenital with impaired intellectual development), type B, 2. Also called: Muscular dystrophy-dystroglycanopathy (congenital with intellectual disability), type B2; MUSCULAR DYSTROPHY, CONGENITAL, POMT2-RELATED. Identifiers: MedGen C3150416, MONDO:0013160, OMIM 613156.
Autosomal recessive limb-girdle muscular dystrophy type 2N. Also called: MUSCULAR DYSTROPHY-DYSTROGLYCANOPATHY, LIMB-GIRDLE, POMT2-RELATED; Muscular dystrophy-dystroglycanopathy (limb-girdle), type C, 2. Identifiers: Orphanet 206559, MedGen C3150418, MONDO:0013162, OMIM 613158.
Muscular dystrophy-dystroglycanopathy (congenital with brain and eye anomalies), type A2. Also called: MUSCULAR DYSTROPHY-DYSTROGLYCANOPATHY (CONGENITAL WITH BRAIN AND EYE ANOMALIES), TYPE A, 2; WALKER-WARBURG SYNDROME OR MUSCLE-EYE-BRAIN DISEASE, POMT2-RELATED. Identifiers: Orphanet 588, Orphanet 899, MedGen C3150411, MONDO:0013154, OMIM 613150.

Allele frequency attached by ClinVar (database versions not stated): gnomAD exomes below 0.00001.
gnomAD v4.1: 2 of 1,614,086 alleles (0.00012%); highest among the groups gnomAD compares: Admixed American, 0.0033%; no homozygotes.

Submission:

Labcorp Genetics (formerly Invitae), Labcorp
Classification: Uncertain significance for Muscular dystrophy-dystroglycanopathy (congenital with impaired intellectual development), type B, 2; Muscular dystrophy-dystroglycanopathy (congenital with brain and eye anomalies), type A2; Autosomal recessive limb-girdle muscular dystrophy type 2N. Last evaluated: 2024-03-11. Review status: criteria provided, single submitter. Criteria: Invitae Variant Classification Sherloc (09022015). Collection method: clinical testing. Allele origin: germline.
Comment: This sequence change replaces alanine, which is neutral and non-polar, with proline, which is neutral and non-polar, at codon 292 of the POMT2 protein (p.Ala292Pro). This variant is present in population databases (no rsID available, gnomAD 0.003%). This missense change has been observed in individual(s) with POMT2-related conditions (PMID: 33200426). ClinVar contains an entry for this variant (Variation ID: 1506501). Advanced modeling of protein sequence and biophysical properties (such as structural, functional, and spatial information, amino acid conservation, physicochemical variation, residue mobility, and thermodynamic stability) has been performed at Invitae for this missense variant, however the output from this modeling did not meet the statistical confidence thresholds required to predict the impact of this variant on POMT2 protein function. In summary, the available evidence is currently insufficient to determine the role of this variant in disease. Therefore, it has been classified as a Variant of Uncertain Significance.

Literature cited by the submitters: PubMed 33200426.